The following is an entry in ClinVar:

ClinVar aggregate classification (germline): Likely benign. Review status: criteria provided, single submitter (1 of 4 stars). 2 submissions from 2 submitters: Likely benign (1). 1 of the submissions does not count toward it. Last evaluated 2026-07-01.

Conditions:
ALKBH8-related disorder. Also called: ALKBH8-related condition.

Allele frequency attached by ClinVar (database versions not stated): ESP Exome Variant Server 0.00088; 1000 Genomes Project 30x 0.00125; TOPMed 0.00132; 1000 Genomes Project 0.00140; gnomAD exomes 0.00250; gnomAD 0.00342; ExAC 0.00421.
gnomAD v4.1: 4,024 of 1,551,280 alleles (0.26%); highest among the groups gnomAD compares: Admixed American, 0.28%; 38 homozygotes.

Submissions (5):

CeGaT Center for Human Genetics Tuebingen
Classification: Likely benign. Last evaluated: 2026-07-01. Review status: criteria provided, single submitter. Criteria: CeGaT Center For Human Genetics Tuebingen Variant Classification Criteria Version 2. Collection method: clinical testing. Allele origin: germline. Affected: yes. Observed: 10 variant alleles.
Comment: ALKBH8: BS2

PreventionGenetics, part of Exact Sciences
Classification: Benign for ALKBH8-related condition. Last evaluated: 2019-11-19. Review status: no assertion criteria provided. Collection method: clinical testing. Allele origin: germline. Not counted in ClinVar's aggregate classification.
Comment: This variant is classified as benign based on ACMG/AMP sequence variant interpretation guidelines (Richards et al. 2015 PMID: 25741868, with internal and published modifications).

Dr. Peter K. Rogan Lab, Western University
No classification provided (evidence only). Condition: Familial cancer of breast. Review status: no classification provided. Collection method: in vitro. Allele origin: not applicable. Functional consequence: skipped exon. Not counted in ClinVar's aggregate classification.

Dr. Peter K. Rogan Lab, Western University
No classification provided (evidence only). Condition: Colon adenocarcinoma. Review status: no classification provided. Collection method: in vitro. Allele origin: not applicable. Functional consequence: retained intron. Not counted in ClinVar's aggregate classification.

Dr. Peter K. Rogan Lab, Western University
No classification provided (evidence only). Condition: Colorectal cancer. Review status: no classification provided. Collection method: in vitro. Allele origin: not applicable. Functional consequence: retained intron. Not counted in ClinVar's aggregate classification.

NM_138775.3(ALKBH8):c.1432A>G (p.Thr478Ala)

Gene: ALKBH8 (alkB homolog 8, tRNA methyltransferase; minus strand). Cytogenetic location: 11q22.3.
Variant type: single nucleotide variant.
Coding change: c.1432A>G on transcript NM_138775.3 (MANE Select); coding-DNA position 1432, A replaced by G.
Protein change: p.Thr478Ala; replaces threonine 478 with alanine.
Molecular consequence: missense variant. On other transcripts: non-coding transcript variant (4), intron variant (1).
Genome position (GRCh38, 1-based): chr11:107,510,892, T>C on the plus strand (A>G on the coding strand, the complement: ALKBH8 is on the minus strand). VCF-style: chr11-107510892-T-C. GRCh37 (hg19) VCF-style: chr11-107381618-T-C.
Other names: NC_000011.9:g.107381618T>C; c.1441A>G (NM_001301010.1); c.1432A>G, p.Thr478Ala (NM_001301010.3); c.1288-5677A>G (NM_001378133.1); short protein forms T478A.
Identifiers: ClinVar variation 2672483 (VCV002672483.25), dbSNP rs140335911, ClinGen allele CA6261038.